The following is an entry in ClinVar:

NM_001035.3(RYR2):c.9250C>T (p.Arg3084Ter)

Gene: RYR2 (ryanodine receptor 2; plus strand). Cytogenetic location: 1q43.
Variant type: single nucleotide variant.
Coding change: c.9250C>T on transcript NM_001035.3 (MANE Select); coding-DNA position 9250, C replaced by T.
Protein change: p.Arg3084Ter; replaces arginine 3084 with a stop codon.
Molecular consequence: nonsense.
Genome position (GRCh38, 1-based): chr1:237,700,350, C>T. VCF-style: chr1-237700350-C-T. GRCh37 (hg19) VCF-style: chr1-237863650-C-T.
Other names: c.9250C>T, p.Arg3084Ter (LRG_402t1); short protein forms R3084*.
Identifiers: ClinVar variation 496911 (VCV000496911.7), dbSNP rs1356957973, ClinGen allele CA345405915.

ClinVar aggregate classification (germline): Uncertain significance. Review status: criteria provided, multiple submitters, no conflicts (2 of 4 stars). 2 submissions from 2 submitters: Uncertain significance (2). Last evaluated 2019-07-12.

Conditions:
Cardiovascular phenotype. Identifiers: MedGen CN230736.

Submissions (2):

Ambry Genetics
Classification: Uncertain significance for Cardiovascular phenotype. Last evaluated: 2019-07-12. Review status: criteria provided, single submitter. Criteria: Ambry Variant Classification Scheme 2023. Collection method: clinical testing. Allele origin: germline.
Comment: The p.R3084* variant (also known as c.9250C>T), located in coding exon 65 of the RYR2 gene, results from a C to T substitution at nucleotide position 9250. This changes the amino acid from an arginine to a stop codon within coding exon 65. This alteration is expected to result in loss of function by premature protein truncation or nonsense-mediated mRNA decay. However, loss of function of RYR2 has not been clearly established as a mechanism of disease. Since supporting evidence is limited at this time, the clinical significance of this alteration remains unclear.

Eurofins Ntd Llc (ga)
Classification: Uncertain significance. Last evaluated: 2017-03-07. Review status: criteria provided, single submitter. Criteria: EGL Classification Definitions 2015. Collection method: clinical testing. Allele origin: germline. Observed: 1 variant allele, 1 heterozygote.